The following is an entry in ClinVar:

NM_000565.4(IL6R):c.1371T>C (p.Tyr457=)

Gene: IL6R (interleukin 6 receptor; plus strand). Cytogenetic location: 1q21.3.
Variant type: single nucleotide variant.
Coding change: c.1371T>C on transcript NM_000565.4 (MANE Select); coding-DNA position 1371, T replaced by C.
Protein change: p.Tyr457=; no amino-acid change (tyrosine 457 retained).
Molecular consequence: synonymous variant. On other transcripts: 3 prime UTR variant (2).
Genome position (GRCh38, 1-based): chr1:154,465,344, T>C. VCF-style: chr1-154465344-T-C. GRCh37 (hg19) VCF-style: chr1-154437820-T-C.
Other names: c.1470T>C, p.Tyr490= (NM_001382769.1); c.1464T>C, p.Tyr488= (NM_001382770.1); c.1419T>C, p.Tyr473= (NM_001382771.1); c.1365T>C, p.Tyr455= (NM_001382772.1); c.*179T>C (NM_001382773.1, NM_181359.3); c.1011T>C, p.Tyr337= (NM_001382774.1); c.1371T>C (NM_000565.3).
Identifiers: ClinVar variation 2887707 (VCV002887707.5), dbSNP rs768524019, ClinGen allele CA1129360.
Genomic context (GRCh38, chr1:154,465,344, plus strand): 5'-GGGGTCTGACAATACCTCGAGCCACAACCGACCAGATGCCAGGGACCCACGGAGCCCTTA[T>C]GACATCAGCAATACAGACTACTTCTTCCCCAGATAGCTGGCTGGGTGGCACCAGCAGCCT-3'
Protein context (NP_000556.1, residues 447-467): RPDARDPRSP[Tyr457=]DISNTDYFFP

ClinVar aggregate classification (germline): Likely benign. Review status: criteria provided, single submitter (1 of 4 stars). 2 submissions from 2 submitters: Likely benign (1). 1 of the submissions does not count toward it. Last evaluated 2025-04-09.

Conditions:
IL6R-related disorder. Also called: IL6R-related condition.

Allele frequency attached by ClinVar (database versions not stated): gnomAD exomes 0.00003; ExAC 0.00002; TOPMed below 0.00001; gnomAD 0.00001.
gnomAD v4.1: 49 of 1,614,092 alleles (0.003%); highest among the groups gnomAD compares: Non-Finnish European, 0.0041%; no homozygotes.

Submissions (2):

Labcorp Genetics (formerly Invitae), Labcorp
Classification: Likely benign. Last evaluated: 2025-04-09. Review status: criteria provided, single submitter. Criteria: Invitae Variant Classification Sherloc (09022015). Collection method: clinical testing. Allele origin: germline.

PreventionGenetics, part of Exact Sciences
Classification: Likely benign for IL6R-related condition. Last evaluated: 2023-09-08. Review status: no assertion criteria provided. Collection method: clinical testing. Allele origin: germline. Not counted in ClinVar's aggregate classification.
Comment: This variant is classified as likely benign based on ACMG/AMP sequence variant interpretation guidelines (Richards et al. 2015 PMID: 25741868, with internal and published modifications).